The following is an entry in ClinVar:

NM_021008.4(DEAF1):c.935C>G (p.Thr312Ser)

Gene: DEAF1 (DEAF1 transcription factor; minus strand). Cytogenetic location: 11p15.5.
Variant type: single nucleotide variant.
Coding change: c.935C>G on transcript NM_021008.4 (MANE Select); coding-DNA position 935, C replaced by G.
Protein change: p.Thr312Ser; replaces threonine 312 with serine.
Molecular consequence: missense variant. On other transcripts: intron variant (1).
Genome position (GRCh38, 1-based): chr11:681,025, G>C on the plus strand (C>G on the coding strand, the complement: DEAF1 is on the minus strand). VCF-style: chr11-681025-G-C. GRCh37 (hg19) VCF-style: chr11-681025-G-C.
Other names: c.935C>G (NM_021008.3); c.209C>G, p.Thr70Ser (NM_001367390.1, NM_001440885.1, NM_001440886.1 and 1 more transcripts); c.935C>G, p.Thr312Ser (NM_001440883.1, NM_001440884.1); c.731-1209C>G (NM_001293634.2); short protein forms T312S, T70S.
Identifiers: ClinVar variation 1345478 (VCV001345478.9), dbSNP rs377023815, ClinGen allele CA5786391.
Genomic context (GRCh38, chr11:681,025, plus strand): 5'-GTGGTAGCCGCGGTGGCTGGAAGCAATGTGATGTTCTTGGGGGAGTCCTTCTTCACGGGA[G>C]TTGTGGGCAGTTCATTCTCCTTCTTGCGCCTTTTGTAAGGCACAAAAAGCCTGACTGGGC-3'
Protein context (NP_066288.2, residues 302-322): RRKKENELPT[Thr312Ser]PVKKDSPKNI

ClinVar aggregate classification (germline): Conflicting classifications of pathogenicity. Review status: criteria provided, conflicting classifications (1 of 4 stars). 4 submissions from 4 submitters: Uncertain significance (1); Likely benign (2). 1 of the submissions does not count toward it. Last evaluated 2026-01-09.

Conditions:
Inborn genetic diseases. Identifiers: MedGen C0950123, MeSH D030342.
DEAF1-related disorder.

Allele frequency attached by ClinVar (database versions not stated): ExAC 0.00003; gnomAD exomes 0.00003; 1000 Genomes Project 30x 0.00016; gnomAD 0.00016; TOPMed 0.00018; 1000 Genomes Project 0.00020; ESP Exome Variant Server 0.00023.
gnomAD v4.1: 44 of 1,614,176 alleles (0.0027%); highest among the groups gnomAD compares: African/African-American, 0.053%; no homozygotes.

Submissions (4):

Labcorp Genetics (formerly Invitae), Labcorp
Classification: Likely benign. Last evaluated: 2026-01-09. Review status: criteria provided, single submitter. Criteria: Invitae Variant Classification Sherloc (09022015). Collection method: clinical testing. Allele origin: germline.

ARUP Laboratories, Molecular Genetics and Genomics, ARUP Laboratories
Classification: Uncertain significance. Last evaluated: 2024-04-26. Review status: criteria provided, single submitter. Criteria: ARUP Molecular Germline Variant Investigation Process 2024. Collection method: clinical testing. Allele origin: germline.

Ambry Genetics
Classification: Likely benign for Inborn genetic diseases. Last evaluated: 2023-01-10. Review status: criteria provided, single submitter. Criteria: Ambry Variant Classification Scheme 2023. Collection method: clinical testing. Allele origin: germline.

PreventionGenetics, part of Exact Sciences
Classification: Uncertain significance for DEAF1-related condition. Last evaluated: 2024-05-22. Review status: no assertion criteria provided. Collection method: clinical testing. Allele origin: germline. Not counted in ClinVar's aggregate classification.
Comment: The DEAF1 c.935C>G variant is predicted to result in the amino acid substitution p.Thr312Ser. To our knowledge, this variant has not been reported in the literature. This variant is reported in 0.036% of alleles in individuals of African descent in gnomAD. This variant is interpreted as likely benign in ClinVar. Although we suspect that this variant may be benign, at this time, the clinical significance of this variant is uncertain due to the absence of conclusive functional and genetic evidence.